The following is an entry in ClinVar:

NM_002474.3(MYH11):c.2981A>T (p.Asn994Ile)

Gene: MYH11 (myosin heavy chain 11; minus strand). Cytogenetic location: 16p13.11.
Variant type: single nucleotide variant.
Coding change: c.2981A>T on transcript NM_002474.3 (MANE Select); coding-DNA position 2981, A replaced by T.
Protein change: p.Asn994Ile; replaces asparagine 994 with isoleucine.
Molecular consequence: missense variant.
Genome position (GRCh38, 1-based): chr16:15,740,067, T>A on the plus strand (A>T on the coding strand, the complement: MYH11 is on the minus strand). VCF-style: chr16-15740067-T-A. GRCh37 (hg19) VCF-style: chr16-15833924-T-A.
Other names: c.3002A>T, p.Asn1001Ile (NM_001040113.2, NM_001040114.2); c.2981A>T, p.Asn994Ile (NM_022844.3); c.2981A>T (NM_002474.2); short protein forms N1001I, N994I.
Identifiers: ClinVar variation 837779 (VCV000837779.13), dbSNP rs1219173895, ClinGen allele CA394864602.
Genomic context (GRCh38, chr16:15,740,067, plus strand): 5'-GCTCGGATTATAGGCGTGAGCCACTGCACCCGGCCCCTACTCACTTTTGATAGTTTATTG[T>A]TCTGATCATCCATGACCAGGATCTCATCCTCCAGTTTCTTGATCTTGGCCTCAGCCGTGA-3'
Protein context (NP_002465.1, residues 984-1004): EDEILVMDDQ[Asn994Ile]NKLSKERKLL

ClinVar aggregate classification (germline): Uncertain significance. Review status: criteria provided, multiple submitters, no conflicts (2 of 4 stars). 4 submissions from 4 submitters: Uncertain significance (4). Last evaluated 2025-04-10.

Conditions:
Familial thoracic aortic aneurysm and aortic dissection (TAAD). Also called: Thoracic aortic aneurysms and dissections. Identifiers: Orphanet 91387, MedGen C4707243, MONDO:0019625.
Aortic aneurysm, familial thoracic 4 (AAT4). Also called: AORTIC ANEURYSM/AORTIC DISSECTION AND PATENT DUCTUS ARTERIOSUS. Identifiers: MedGen C1851504, MONDO:0007568, OMIM 132900.

Allele frequency attached by ClinVar (database versions not stated): gnomAD exomes below 0.00001; TOPMed below 0.00001.
gnomAD v4.1: 4 of 1,614,222 alleles (0.00025%); highest among the groups gnomAD compares: Non-Finnish European, 0.00034%; no homozygotes.

Submissions (4):

Labcorp Genetics (formerly Invitae), Labcorp
Classification: Uncertain significance for Aortic aneurysm, familial thoracic 4. Last evaluated: 2025-04-10. Review status: criteria provided, single submitter. Criteria: Invitae Variant Classification Sherloc (09022015). Collection method: clinical testing. Allele origin: germline.
Comment: This sequence change replaces asparagine, which is neutral and polar, with isoleucine, which is neutral and non-polar, at codon 1001 of the MYH11 protein (p.Asn1001Ile). This variant is present in population databases (no rsID available, gnomAD 0.0009%). This variant has not been reported in the literature in individuals affected with MYH11-related conditions. ClinVar contains an entry for this variant (Variation ID: 837779). Invitae Evidence Modeling of protein sequence and biophysical properties (such as structural, functional, and spatial information, amino acid conservation, physicochemical variation, residue mobility, and thermodynamic stability) indicates that this missense variant is not expected to disrupt MYH11 protein function with a negative predictive value of 95%. In summary, the available evidence is currently insufficient to determine the role of this variant in disease. Therefore, it has been classified as a Variant of Uncertain Significance.

Color Diagnostics, LLC DBA Color Health
Classification: Uncertain significance for Familial thoracic aortic aneurysm and aortic dissection. Last evaluated: 2024-03-06. Review status: criteria provided, single submitter. Criteria: ACMG Guidelines, 2015. Collection method: clinical testing. Allele origin: germline.
Comment: This missense variant replaces asparagine with isoleucine at codon 1001 of the MYH11 protein. Computational prediction suggests that this variant may not impact protein structure and function (internally defined REVEL score threshold <= 0.5, PMID: 27666373). To our knowledge, functional studies have not been reported for this variant. This variant has not been reported in individuals affected with cardiovascular disorders in the literature. This variant has been identified in 1/251478 chromosomes in the general population by the Genome Aggregation Database (gnomAD). The available evidence is insufficient to determine the role of this variant in disease conclusively. Therefore, this variant is classified as a Variant of Uncertain Significance.

All of Us Research Program, National Institutes of Health
Classification: Uncertain significance for Familial thoracic aortic aneurysm and aortic dissection. Last evaluated: 2023-09-05. Review status: criteria provided, single submitter. Criteria: ACMG Guidelines, 2015. Collection method: clinical testing. Allele origin: germline. Inheritance: Autosomal dominant inheritance. Observed: 1 variant allele, 1 heterozygote.
Comment: This missense variant replaces asparagine with isoleucine at codon 1001 of the MYH11 protein. Computational prediction suggests that this variant may not impact protein structure and function (internally defined REVEL score threshold <= 0.5, PMID: 27666373). To our knowledge, functional studies have not been reported for this variant. This variant has not been reported in individuals affected with cardiovascular disorders in the literature. This variant has been identified in 1/251478 chromosomes in the general population by the Genome Aggregation Database (gnomAD). The available evidence is insufficient to determine the role of this variant in disease conclusively. Therefore, this variant is classified as a Variant of Uncertain Significance.

This study involves interpretation of variants in research participants for the purpose of population health screening. Participant phenotype was not available at the time of variant classification. Additional details can be found in publication PMID: 35346344, PMCID: PMC8962531

GeneDx
Classification: Uncertain significance. Last evaluated: 2022-11-30. Review status: criteria provided, single submitter. Criteria: GeneDx Variant Classification Process June 2021. Collection method: clinical testing. Allele origin: germline. Affected: yes.
Comment: Not observed at significant frequency in large population cohorts (gnomAD); In silico analysis supports that this missense variant has a deleterious effect on protein structure/function; Has not been previously published as pathogenic or benign to our knowledge